The following is an entry in ClinVar:

ClinVar aggregate classification (germline): Uncertain significance (1 of 4 stars; one submission).

Allele frequency attached by ClinVar (database versions not stated): TOPMed below 0.00001; gnomAD 0.00001; gnomAD exomes 0.00001.
gnomAD v4.1: 17 of 1,613,344 alleles (0.0011%); highest among the groups gnomAD compares: East Asian, 0.0022%; no homozygotes.

Submission:

GeneDx
Classification: Uncertain significance. Last evaluated: 2023-04-03. Review status: criteria provided, single submitter. Criteria: GeneDx Variant Classification Process June 2021. Collection method: clinical testing. Allele origin: germline. Affected: yes.
Comment: Not observed in large population cohorts (gnomAD); In silico analysis supports that this missense variant has a deleterious effect on protein structure/function; Has not been previously published as pathogenic or benign to our knowledge

NM_001190274.2(FBXO11):c.962T>C (p.Ile321Thr)

Gene: FBXO11 (F-box protein 11; minus strand). Cytogenetic location: 2p16.3.
Variant type: single nucleotide variant.
Coding change: c.962T>C on transcript NM_001190274.2 (MANE Select); coding-DNA position 962, T replaced by C.
Protein change: p.Ile321Thr; replaces isoleucine 321 with threonine.
Molecular consequence: missense variant.
Genome position (GRCh38, 1-based): chr2:47,833,043, A>G on the plus strand (T>C on the coding strand, the complement: FBXO11 is on the minus strand). VCF-style: chr2-47833043-A-G. GRCh37 (hg19) VCF-style: chr2-48060182-A-G.
Other names: c.710T>C, p.Ile237Thr (NM_001374325.1, NM_025133.4); short protein forms I237T, I321T.
Identifiers: ClinVar variation 2446584 (VCV002446584.1), dbSNP rs1454683447, ClinGen allele CA346766193.